The following is an entry in ClinVar:

NM_003640.5(ELP1):c.1886G>A (p.Arg629His)

Gene: ELP1 (elongator acetyltransferase complex subunit 1; minus strand). Cytogenetic location: 9q31.3.
Variant type: single nucleotide variant.
Coding change: c.1886G>A on transcript NM_003640.5 (MANE Select); coding-DNA position 1886, G replaced by A.
Protein change: p.Arg629His; replaces arginine 629 with histidine.
Molecular consequence: missense variant.
Genome position (GRCh38, 1-based): chr9:108,901,650, C>T on the plus strand (G>A on the coding strand, the complement: ELP1 is on the minus strand). VCF-style: chr9-108901650-C-T. GRCh37 (hg19) VCF-style: chr9-111663930-C-T.
Other names: c.1886G>A (LRG_251t1); c.1544G>A, p.Arg515His (NM_001318360.2); c.839G>A, p.Arg280His (NM_001330749.2); short protein forms R629H, R280H, R515H.
Identifiers: ClinVar variation 194739 (VCV000194739.74), dbSNP rs148378319, ClinGen allele CA240882.

ClinVar aggregate classification (germline): Conflicting classifications of pathogenicity. Review status: criteria provided, conflicting classifications (1 of 4 stars). 11 submissions from 11 submitters: Uncertain significance (3); Likely benign (7). 1 of the submissions does not count toward it. Last evaluated 2026-08-01.

Conditions:
ELP1-related disorder. Also called: ELP1-related condition.
Familial dysautonomia. Also called: HSAN III; FD. Identifiers: Orphanet 1764, MedGen C0013364, MONDO:0009131, OMIM 223900. Disease mechanism: loss of function.

Allele frequency attached by ClinVar (database versions not stated): 1000 Genomes Project 30x 0.00094; 1000 Genomes Project 0.00120; ExAC 0.00191; gnomAD exomes 0.00194 and 0.00274; gnomAD 0.00203; TOPMed 0.00220; ESP Exome Variant Server 0.00231.
gnomAD v4.1: 4,301 of 1,614,090 alleles (0.27%); highest among the groups gnomAD compares: Non-Finnish European, 0.31%; 13 homozygotes.

Submissions (11):

CeGaT Center for Human Genetics Tuebingen
Classification: Likely benign. Last evaluated: 2026-08-01. Review status: criteria provided, single submitter. Criteria: CeGaT Center For Human Genetics Tuebingen Variant Classification Criteria Version 2. Collection method: clinical testing. Allele origin: germline. Affected: yes. Observed: 21 variant alleles.
Comment: ELP1: BP4, BS2

Labcorp Genetics (formerly Invitae), Labcorp
Classification: Likely benign. Last evaluated: 2026-01-28. Review status: criteria provided, single submitter. Criteria: Invitae Variant Classification Sherloc (09022015). Collection method: clinical testing. Allele origin: germline.

Women's Health and Genetics/Laboratory Corporation of America, LabCorp
Classification: Likely benign. Last evaluated: 2025-09-12. Review status: criteria provided, single submitter. Criteria: LabCorp Variant Classification Summary - May 2015. Collection method: clinical testing. Allele origin: germline.
Comment: Variant summary: ELP1 c.1886G>A (p.Arg629His) results in a non-conservative amino acid change located in the N-terminal second beta-propeller (IPR056165) of the encoded protein sequence. Algorithms developed to predict the effect of missense changes on protein structure and function are either unavailable or do not agree on the potential impact of this missense change. The variant allele was found at a frequency of 0.0027 in 1607116 control chromosomes, predominantly at a frequency of 0.0031 within the Non-Finnish European subpopulation in the gnomAD database (v4.1 dataset), including 13 homozygotes. The observed variant frequency within Non-Finnish European control individuals in the gnomAD database exceeds the estimated maximal expected allele frequency for disease-causing variants in ELP1. The variant, c.1886G>A, has been observed in individuals with various phenotypes (e.g. Reinthaler_2014, Apellaniz-Ruiz_2016, Kinnersley_2016), but not with Familial Dysautonomia. These reports do not provide unequivocal conclusions about association of the variant with Familial Dysautonomia. To our knowledge, no experimental evidence demonstrating an impact on protein function has been reported. The following publications have been ascertained in the context of this evaluation (PMID: 27582484, 26264438, 24995671). ClinVar contains an entry for this variant (Variation ID: 194739). Based on the evidence outlined above, the variant was classified as likely benign.

PreventionGenetics, part of Exact Sciences
Classification: Likely benign for ELP1-related condition. Last evaluated: 2025-03-11. Review status: criteria provided, single submitter. Criteria: ACMG Guidelines, 2015. Collection method: clinical testing. Allele origin: germline.
Comment: This variant is classified as likely benign based on ACMG/AMP sequence variant interpretation guidelines (Richards et al. 2015 PMID: 25741868, with internal and published modifications).

Mayo Clinic Laboratories, Mayo Clinic
Classification: Likely benign. Last evaluated: 2024-08-30. Review status: criteria provided, single submitter. Criteria: ACMG Guidelines, 2015. Collection method: clinical testing. Allele origin: germline. Observed: 10 variant alleles.
Comment: BS1, BP4

ARUP Laboratories, Molecular Genetics and Genomics, ARUP Laboratories
Classification: Uncertain significance for Familial dysautonomia. Last evaluated: 2021-10-21. Review status: criteria provided, single submitter. Criteria: ARUP Molecular Germline Variant Investigation Process 2021. Collection method: clinical testing. Allele origin: germline.
Comment: The ELP1 c.1886G>A; p.Arg629His variant (rs148378319), is reported in the literature in a cohort of Paclitaxel-induced peripheral neuropathy, but has been found in association with familial dysautonomia with no second variant detected (Apellaniz-Ruiz 2017). This variant is reported as uncertain significance or likely benign in ClinVar (Variation ID: 194739), and is found in the general population with an overall allele frequency of 0.019% (550/282,634 alleles) in the Genome Aggregation Database. The arginine at codon 629 is moderately conserved, and computational analyses (SIFT, PolyPhen-2) predict that this variant is tolerated. Due to limited information, the clinical significance of the p.Arg629His variant is uncertain at this time. References: Apellaniz-Ruiz et al. Targeted Sequencing Reveals Low-Frequency Variants in EPHA Genes as Markers of Paclitaxel-Induced Peripheral Neuropathy. Clin Cancer Res. 2017 Mar 1;23(5):1227-1235.

GeneDx
Classification: Likely benign. Last evaluated: 2021-05-27. Review status: criteria provided, single submitter. Criteria: GeneDx Variant Classification Process June 2021. Collection method: clinical testing. Allele origin: germline. Affected: yes.
Comment: This variant is associated with the following publications: (PMID: 27582484)

Ambry Genetics
Classification: Likely benign. Last evaluated: 2019-09-19. Review status: criteria provided, single submitter. Criteria: Ambry Variant Classification Scheme 2023. Collection method: clinical testing. Allele origin: germline.

Illumina Laboratory Services, Illumina
Classification: Uncertain significance for Familial dysautonomia. Last evaluated: 2018-01-12. Review status: criteria provided, single submitter. Criteria: ICSL Variant Classification Criteria 13 December 2019. Collection method: clinical testing. Allele origin: germline.

Eurofins Ntd Llc (ga)
Classification: Uncertain significance. Last evaluated: 2017-01-09. Review status: criteria provided, single submitter. Criteria: EGL Classification Definitions 2015. Collection method: clinical testing. Allele origin: germline. Observed: 2 variant alleles, 2 heterozygotes.

Natera, Inc.
Classification: Likely benign for Hereditary sensory and autonomic neuropathy type III. Last evaluated: 2020-04-14. Review status: no assertion criteria provided. Collection method: clinical testing. Allele origin: germline. Not counted in ClinVar's aggregate classification.

Literature cited by the submitters: PubMed 26264438 (cited by Women's Health and Genetics/Laboratory Corporation of America, LabCorp); PubMed 24995671 (cited by Women's Health and Genetics/Laboratory Corporation of America, LabCorp); PubMed 27582484 (cited by Women's Health and Genetics/Laboratory Corporation of America, LabCorp and Mayo Clinic Laboratories, Mayo Clinic).